The following is an entry in ClinVar:

NM_006031.6(PCNT):c.1417C>T (p.Gln473Ter)

Gene: PCNT (pericentrin; plus strand). Cytogenetic location: 21q22.3.
Variant type: single nucleotide variant.
Coding change: c.1417C>T on transcript NM_006031.6 (MANE Select); coding-DNA position 1417, C replaced by T.
Protein change: p.Gln473Ter; replaces glutamine 473 with a stop codon.
Molecular consequence: nonsense.
Genome position (GRCh38, 1-based): chr21:46,351,501, C>T. VCF-style: chr21-46351501-C-T. GRCh37 (hg19) VCF-style: chr21-47771415-C-T.
Other names: c.1063C>T, p.Gln355Ter (NM_001315529.2); short protein forms Q473*, Q355*.
Identifiers: ClinVar variation 2027129 (VCV002027129.4), dbSNP rs2518099761, ClinGen allele CA410558232.

ClinVar aggregate classification (germline): Pathogenic (1 of 4 stars; one submission).

Submission:

Labcorp Genetics (formerly Invitae), Labcorp
Classification: Pathogenic. Last evaluated: 2022-08-25. Review status: criteria provided, single submitter. Criteria: Invitae Variant Classification Sherloc (09022015). Collection method: clinical testing. Allele origin: germline.
Comment: For these reasons, this variant has been classified as Pathogenic. Algorithms developed to predict the effect of sequence changes on RNA splicing suggest that this variant may disrupt the consensus splice site. This variant has not been reported in the literature in individuals affected with PCNT-related conditions. This variant is not present in population databases (gnomAD no frequency). This sequence change creates a premature translational stop signal (p.Gln473*) in the PCNT gene. It is expected to result in an absent or disrupted protein product. Loss-of-function variants in PCNT are known to be pathogenic (PMID: 18174396, 22821869).

Literature cited by the submitters: PubMed 18174396; PubMed 22821869.